The following is an entry in ClinVar:

NM_002439.5(MSH3):c.2756G>A (p.Gly919Asp)

Gene: MSH3 (mutS homolog 3; plus strand). Cytogenetic location: 5q14.1.
Variant type: single nucleotide variant.
Coding change: c.2756G>A on transcript NM_002439.5 (MANE Select); coding-DNA position 2756, G replaced by A.
Protein change: p.Gly919Asp; replaces glycine 919 with aspartic acid.
Molecular consequence: missense variant.
Genome position (GRCh38, 1-based): chr5:80,813,684, G>A. VCF-style: chr5-80813684-G-A. GRCh37 (hg19) VCF-style: chr5-80109503-G-A.
Other names: short protein forms G919D.
Identifiers: ClinVar variation 656350 (VCV000656350.14), dbSNP rs1580066529, ClinGen allele CA360274011.

ClinVar aggregate classification (germline): Uncertain significance. Review status: criteria provided, multiple submitters, no conflicts (2 of 4 stars). 2 submissions from 2 submitters: Uncertain significance (2). Last evaluated 2025-05-17.

Conditions:
Hereditary cancer-predisposing syndrome. Also called: Hereditary neoplastic syndrome; Tumor predisposition; Neoplastic Syndromes, Hereditary; Hereditary Cancer Syndrome. Identifiers: Orphanet 140162, MedGen C0027672, MeSH D009386, MONDO:0015356.

Submissions (2):

Ambry Genetics
Classification: Uncertain significance for Hereditary cancer-predisposing syndrome. Last evaluated: 2025-05-17. Review status: criteria provided, single submitter. Criteria: Ambry Variant Classification Scheme 2023. Collection method: clinical testing. Allele origin: germline.
Comment: The p.G919D variant (also known as c.2756G>A), located in coding exon 20 of the MSH3 gene, results from a G to A substitution at nucleotide position 2756. The glycine at codon 919 is replaced by aspartic acid, an amino acid with similar properties. This amino acid position is conserved. In addition, this alteration is predicted to be deleterious by in silico analysis. Since supporting evidence is limited at this time, the clinical significance of this alteration remains unclear.

Labcorp Genetics (formerly Invitae), Labcorp
Classification: Uncertain significance. Last evaluated: 2024-07-19. Review status: criteria provided, single submitter. Criteria: Invitae Variant Classification Sherloc (09022015). Collection method: clinical testing. Allele origin: germline.
Comment: This sequence change replaces glycine, which is neutral and non-polar, with aspartic acid, which is acidic and polar, at codon 919 of the MSH3 protein (p.Gly919Asp). This variant is not present in population databases (gnomAD no frequency). This variant has not been reported in the literature in individuals affected with MSH3-related conditions. ClinVar contains an entry for this variant (Variation ID: 656350). An algorithm developed to predict the effect of missense changes on protein structure and function (PolyPhen-2) suggests that this variant is likely to be disruptive. In summary, the available evidence is currently insufficient to determine the role of this variant in disease. Therefore, it has been classified as a Variant of Uncertain Significance.